The following is an entry in ClinVar:

NM_004064.5(CDKN1B):c.374_377del (p.Ser125fs)

Gene: CDKN1B (cyclin dependent kinase inhibitor 1B; plus strand). Cytogenetic location: 12p13.1.
Variant type: Deletion.
Coding change: c.374_377del on transcript NM_004064.5 (MANE Select); coding-DNA positions 374 to 377, 4 bases deleted (CTGA; older notation c.374_377delCTGA).
Protein change: p.Ser125fs; shifts the reading frame from serine 125.
Molecular consequence: frameshift variant.
Genome position (GRCh38, 1-based): chr12:12,718,213-12,718,216, CTGA deleted. VCF-style (leftmost placement, unchanged base first): chr12-12718212-TCTGA-T. GRCh37 (hg19) VCF-style: chr12-12871146-TCTGA-T.
Other names: short protein forms S125fs.
Identifiers: ClinVar variation 4720748 (VCV004720748.1).

ClinVar aggregate classification (germline): Pathogenic (1 of 4 stars; one submission).

Conditions:
Multiple endocrine neoplasia type 4. Also called: MULTIPLE ENDOCRINE NEOPLASIA, TYPE IV. Identifiers: Orphanet 276152, MedGen C1970712, MONDO:0012552, OMIM 610755.

Submission:

Labcorp Genetics (formerly Invitae), Labcorp
Classification: Pathogenic for Multiple endocrine neoplasia type 4. Last evaluated: 2025-06-04. Review status: criteria provided, single submitter. Criteria: Invitae Variant Classification Sherloc (09022015). Collection method: clinical testing. Allele origin: germline.
Comment: This sequence change creates a premature translational stop signal (p.Ser125Trpfs*19) in the CDKN1B gene. It is expected to result in an absent or disrupted protein product. Loss-of-function variants in CDKN1B are known to be pathogenic (PMID: 17030811, 24819502). This variant is not present in population databases (gnomAD no frequency). This variant has not been reported in the literature in individuals affected with CDKN1B-related conditions. For these reasons, this variant has been classified as Pathogenic.

Literature cited by the submitters: PubMed 17030811; PubMed 24819502.